The following is an entry in ClinVar:

NM_001371623.1(TCOF1):c.995C>A (p.Ala332Glu)

Gene: TCOF1 (treacle ribosome biogenesis factor 1; plus strand). Cytogenetic location: 5q32.
Variant type: single nucleotide variant.
Coding change: c.995C>A on transcript NM_001371623.1 (MANE Select); coding-DNA position 995, C replaced by A.
Protein change: p.Ala332Glu; replaces alanine 332 with glutamic acid.
Molecular consequence: missense variant.
Genome position (GRCh38, 1-based): chr5:150,374,298, C>A. VCF-style: chr5-150374298-C-A. GRCh37 (hg19) VCF-style: chr5-149753861-C-A.
Other names: c.764C>A, p.Ala255Glu (NM_000356.4, NM_001135245.2); c.995C>A, p.Ala332Glu (NM_001008657.3, NM_001135243.2, NM_001135244.2 and 1 more transcripts); short protein forms A332E, A255E.
Identifiers: ClinVar variation 2704295 (VCV002704295.3), dbSNP rs2533363106, ClinGen allele CA361742623.

ClinVar aggregate classification (germline): Uncertain significance (1 of 4 stars; one submission).

Conditions:
Treacher Collins syndrome 1 (TCS1). Also called: TCOF1-Related Treacher Collins Syndrome. Identifiers: Orphanet 861, MedGen CN315775, MONDO:0007944, OMIM 154500.

Submission:

Labcorp Genetics (formerly Invitae), Labcorp
Classification: Uncertain significance for Treacher Collins syndrome 1. Last evaluated: 2024-03-20. Review status: criteria provided, single submitter. Criteria: Invitae Variant Classification Sherloc (09022015). Collection method: clinical testing. Allele origin: germline.
Comment: This sequence change replaces alanine, which is neutral and non-polar, with glutamic acid, which is acidic and polar, at codon 332 of the TCOF1 protein (p.Ala332Glu). This variant is not present in population databases (gnomAD no frequency). This variant has not been reported in the literature in individuals affected with TCOF1-related conditions. Advanced modeling of protein sequence and biophysical properties (such as structural, functional, and spatial information, amino acid conservation, physicochemical variation, residue mobility, and thermodynamic stability) performed at Invitae indicates that this missense variant is not expected to disrupt TCOF1 protein function with a negative predictive value of 80%. In summary, the available evidence is currently insufficient to determine the role of this variant in disease. Therefore, it has been classified as a Variant of Uncertain Significance.